The following is an entry in ClinVar:

ClinVar aggregate classification (germline): Uncertain significance (1 of 4 stars; one submission).

Conditions:
Inborn genetic diseases. Identifiers: MedGen C0950123, MeSH D030342.

Submission:

Ambry Genetics
Classification: Uncertain significance for Inborn genetic diseases. Last evaluated: 2024-02-24. Review status: criteria provided, single submitter. Criteria: Ambry Variant Classification Scheme 2023. Collection method: clinical testing. Allele origin: germline.
Comment: The p.N1062T variant (also known as c.3185A>C), located in coding exon 24 of the LRRK2 gene, results from an A to C substitution at nucleotide position 3185. The asparagine at codon 1062 is replaced by threonine, an amino acid with similar properties. This amino acid position is conserved. In addition, this alteration is predicted to be tolerated by in silico analysis. Based on the available evidence, the clinical significance of this alteration remains unclear.

NM_198578.4(LRRK2):c.3185A>C (p.Asn1062Thr)

Gene: LRRK2 (leucine rich repeat kinase 2; plus strand). Cytogenetic location: 12q12.
Variant type: single nucleotide variant.
Coding change: c.3185A>C on transcript NM_198578.4 (MANE Select); coding-DNA position 3185, A replaced by C.
Protein change: p.Asn1062Thr; replaces asparagine 1062 with threonine.
Molecular consequence: missense variant.
Genome position (GRCh38, 1-based): chr12:40,298,331, A>C. VCF-style: chr12-40298331-A-C. GRCh37 (hg19) VCF-style: chr12-40692133-A-C.
Other names: short protein forms N1062T.
Identifiers: ClinVar variation 3229597 (VCV003229597.1), dbSNP rs2499745547, ClinGen allele CA384414438.
Genomic context (GRCh38, chr12:40,298,331, plus strand): 5'-TGCACAGTAATAAATTTACATCATTTCCTTCTTATTTGTTGAAAATGAGTTGTATTGCTA[A>C]TCTTGATGTCTCTCGAAATGACATTGGACCCTCAGTGGTTTTAGATCCTACAGTGAAATG-3'
Protein context (NP_940980.4, residues 1052-1072): SYLLKMSCIA[Asn1062Thr]LDVSRNDIGP